The following is an entry in ClinVar:

ClinVar aggregate classification (germline): Likely pathogenic (1 of 4 stars; one submission).

Submission:

Labcorp Genetics (formerly Invitae), Labcorp
Classification: Likely pathogenic. Last evaluated: 2022-09-17. Review status: criteria provided, single submitter. Criteria: Invitae Variant Classification Sherloc (09022015). Collection method: clinical testing. Allele origin: germline.
Comment: This sequence change affects a donor splice site in intron 9 of the PKLR gene. It is expected to disrupt RNA splicing. Variants that disrupt the donor or acceptor splice site typically lead to a loss of protein function (PMID: 16199547), and loss-of-function variants in PKLR are known to be pathogenic (PMID: 15953013, 26832193). This variant is not present in population databases (gnomAD no frequency). In summary, the currently available evidence indicates that the variant is pathogenic, but additional data are needed to prove that conclusively. Therefore, this variant has been classified as Likely Pathogenic. Algorithms developed to predict the effect of sequence changes on RNA splicing suggest that this variant may disrupt the consensus splice site. Disruption of this splice site has been observed in individual(s) with pyruvate kinase deficiency (PMID: 17360088).

Literature cited by the submitters: PubMed 16199547; PubMed 15953013; PubMed 26832193; PubMed 17360088.

NM_000298.6(PKLR):c.1436+2T>C

Gene: PKLR (pyruvate kinase L/R; minus strand). Cytogenetic location: 1q22.
Variant type: single nucleotide variant.
Coding change: c.1436+2T>C on transcript NM_000298.6 (MANE Select); the canonical splice donor site of the intron after coding-DNA position 1436, T replaced by C.
Molecular consequence: splice donor variant.
Genome position (GRCh38, 1-based): chr1:155,293,175, A>G on the plus strand (T>C on the coding strand, the complement: PKLR is on the minus strand). VCF-style: chr1-155293175-A-G. GRCh37 (hg19) VCF-style: chr1-155262966-A-G.
Other names: c.1343+2T>C (NM_181871.4).
Identifiers: ClinVar variation 2030984 (VCV002030984.4), dbSNP rs2525277601, ClinGen allele CA342751489.
Genomic context (GRCh38, chr1:155,293,175, plus strand): 5'-GGCCCGTCCCAGCCCACCCCTGACCCAAAGCTCCATCTGGACATTCCCAATATCCCCCTC[A>G]CCGGCCAGTTGTGGTCAGCACAATGATGGCAGCAGCACAGCACTTGAAGGCAGCCTCCAC-3'